The following is an entry in ClinVar:

ClinVar aggregate classification (germline): Uncertain significance (1 of 4 stars; one submission).

Conditions:
Hereditary cancer-predisposing syndrome. Also called: Tumor predisposition; Neoplastic Syndromes, Hereditary; Hereditary Cancer Syndrome; Hereditary neoplastic syndrome. Identifiers: Orphanet 140162, MedGen C0027672, MeSH D009386, MONDO:0015356.

Submissions (3):

Ambry Genetics
Classification: Uncertain significance for Hereditary cancer-predisposing syndrome. Last evaluated: 2021-07-14. Review status: criteria provided, single submitter. Criteria: Ambry Variant Classification Scheme 2023. Collection method: clinical testing. Allele origin: germline.
Comment: The p.A1045S variant (also known as c.3133G>T), located in coding exon 23 of the MSH3 gene, results from a G to T substitution at nucleotide position 3133. The alanine at codon 1045 is replaced by serine, an amino acid with similar properties. This amino acid position is conserved. In addition, this alteration is predicted to be tolerated by in silico analysis. Since supporting evidence is limited at this time, the clinical significance of this alteration remains unclear.

Dr. Peter K. Rogan Lab, Western University
No classification provided (evidence only). Condition: Nonpapillary renal cell carcinoma. Review status: no classification provided. Collection method: in vitro. Allele origin: not applicable. Functional consequence: retained intron. Not counted in ClinVar's aggregate classification.

Dr. Peter K. Rogan Lab, Western University
No classification provided (evidence only). Condition: Nonpapillary renal cell carcinoma. Review status: no classification provided. Collection method: in vitro. Allele origin: not applicable. Functional consequence: retained intron. Not counted in ClinVar's aggregate classification.

NM_002439.5(MSH3):c.3133G>T (p.Ala1045Ser)

Gene: MSH3 (mutS homolog 3; plus strand). Cytogenetic location: 5q14.1.
Variant type: single nucleotide variant.
Coding change: c.3133G>T on transcript NM_002439.5 (MANE Select); coding-DNA position 3133, G replaced by T.
Protein change: p.Ala1045Ser; replaces alanine 1045 with serine.
Molecular consequence: missense variant.
Genome position (GRCh38, 1-based): chr5:80,873,118, G>T. VCF-style: chr5-80873118-G-T. GRCh37 (hg19) VCF-style: chr5-80168937-G-T.
Other names: NC_000005.9:g.80168937G>T; short protein forms A1045S.
Identifiers: ClinVar variation 1727990 (VCV001727990.3), dbSNP rs26279, ClinGen allele CA360346787.
Genomic context (GRCh38, chr5:80,873,118, plus strand): 5'-TCCTCTAATTTATTTCAGCTTTCAGGCACAGTTTTGATCTCCTTTCTTTATTTCACAGGC[G>T]CAGCAGAACAAGTCCCTGATTTTGTCACCTTCCTTTACCAAATAACTAGAGGAATTGCAG-3'
Protein context (NP_002430.3, residues 1035-1055): SEDESKLDPG[Ala1045Ser]AEQVPDFVTF